The following is an entry in ClinVar:

NM_000289.6(PFKM):c.1993-199A>G

Gene: PFKM (phosphofructokinase, muscle; plus strand). Cytogenetic location: 12q13.11.
Variant type: single nucleotide variant.
Coding change: c.1993-199A>G on transcript NM_000289.6 (MANE Select); 199 bases into the intron before coding-DNA position 1993, A replaced by G.
Molecular consequence: intron variant.
Genome position (GRCh38, 1-based): chr12:48,144,832, A>G. VCF-style: chr12-48144832-A-G. GRCh37 (hg19) VCF-style: chr12-48538615-A-G.
Other names: c.2017-199A>G (NM_001354741.2); c.1993-199A>G (NM_001354742.2, NM_001354743.2, NM_001354744.2 and 2 more transcripts); c.1843-199A>G (NM_001354747.2, NM_001354748.2); c.2206-199A>G (NM_001166686.2, NM_001354737.1, NM_001354739.1 and 1 more transcripts); c.2302-199A>G (NM_001354736.1, NM_001354735.1); c.2137-199A>G (NM_001354740.1); c.1906-199A>G (NM_001354745.2); c.1867-199A>G (NM_001354746.2); and 1 more.
Identifiers: ClinVar variation 672582 (VCV000672582.2), dbSNP rs41291969, ClinGen allele CA236519600.

ClinVar aggregate classification (germline): Benign. Review status: criteria provided, multiple submitters, no conflicts (2 of 4 stars). 2 submissions from 2 submitters: Benign (2). Last evaluated 2018-06-19.

Allele frequency attached by ClinVar (database versions not stated): 1000 Genomes Project 30x 0.03560; 1000 Genomes Project 0.03654; TOPMed 0.05226; gnomAD 0.05979 and 0.06016.
gnomAD v4.1: 9,079 of 152,162 alleles (6%); highest among the groups gnomAD compares: Non-Finnish European, 8.2%; 362 homozygotes.

Submissions (2):

GeneDx
Classification: Benign. Last evaluated: 2018-06-19. Review status: criteria provided, single submitter. Criteria: GeneDx Variant Classification (06012015). Collection method: clinical testing. Allele origin: germline. Affected: yes.
Comment: This variant is considered likely benign or benign based on one or more of the following criteria: it is a conservative change, it occurs at a poorly conserved position in the protein, it is predicted to be benign by multiple in silico algorithms, and/or has population frequency not consistent with disease.

Breakthrough Genomics
Classification: Benign. Review status: criteria provided, single submitter. Criteria: ACMG Guidelines, 2015. Collection method: not provided. Allele origin: germline. Inheritance: Autosomal recessive inheritance. Affected: yes.